The following continues an entry in ClinVar:

NM_007294.4(BRCA1):c.5266dup (p.Gln1756fs)

Gene: BRCA1. ClinVar aggregate classification (germline): Pathogenic. Pathogenic (1).

Submissions 67 to 96 of 101:

Consortium of Investigators of Modifiers of BRCA1/2 (CIMBA), c/o University of Cambridge
Classification: Pathogenic for Breast-ovarian cancer, familial, susceptibility to, 1. Last evaluated: 2015-10-02. Review status: criteria provided, single submitter. Criteria: CIMBA Mutation Classification guidelines May 2016. Collection method: clinical testing. Allele origin: germline. Not counted in ClinVar's aggregate classification.

Clinical Genetics DNA and cytogenetics Diagnostics Lab, Erasmus MC, Erasmus Medical Center
Classification: Pathogenic for Breast-ovarian cancer, familial, susceptibility to, 1. Last evaluated: 2015-09-21. Review status: criteria provided, single submitter. Criteria: ACGS Guidelines, 2013. Collection method: clinical testing. Allele origin: germline. Affected: yes. Study: VKGL Data-share Consensus. Not counted in ClinVar's aggregate classification.

Department of Medical Genetics, Oslo University Hospital
Classification: Pathogenic for Breast-ovarian cancer, familial, susceptibility to, 1. Last evaluated: 2015-07-01. Review status: criteria provided, single submitter. Criteria: ACMG Guidelines, 2015. Collection method: clinical testing. Allele origin: germline. Affected: yes. Observed: 30 variant alleles. Not counted in ClinVar's aggregate classification.

Eurofins Ntd Llc (ga)
Classification: Pathogenic. Last evaluated: 2014-11-07. Review status: criteria provided, single submitter. Criteria: EGL Classification Definitions. Collection method: clinical testing. Allele origin: germline. Observed: 2 variant alleles, 2 heterozygotes. Not counted in ClinVar's aggregate classification.

Molecular Genetics Laboratory, University of Michigan
Classification: Pathogenic for Breast-ovarian cancer, familial, susceptibility to, 1. Last evaluated: 2014-11-03. Review status: criteria provided, single submitter. Criteria: ACMG Guidelines, 2015. Collection method: clinical testing. Allele origin: germline. Affected: yes. Not counted in ClinVar's aggregate classification.

Genome Diagnostics Laboratory, University Medical Center Utrecht
Classification: Pathogenic for Breast-ovarian cancer, familial, susceptibility to, 1. Last evaluated: 2014-10-10. Review status: criteria provided, single submitter. Criteria: ACGS Guidelines, 2013. Collection method: clinical testing. Allele origin: germline. Affected: yes. Study: VKGL Data-share Consensus. Not counted in ClinVar's aggregate classification.

Clinical Genetics and Genomics, Karolinska University Hospital
Classification: Pathogenic. Last evaluated: 2014-09-18. Review status: criteria provided, single submitter. Criteria: ACMG Guidelines, 2015. Collection method: clinical testing. Allele origin: germline. Affected: yes. Observed: 11 variant alleles. Not counted in ClinVar's aggregate classification.

Centre for Mendelian Genomics, University Medical Centre Ljubljana
Classification: Pathogenic for Ovarian neoplasm. Last evaluated: 2014-05-29. Review status: criteria provided, single submitter. Criteria: ACMG Guidelines, 2015. Collection method: clinical testing. Allele origin: unknown. Affected: yes. Not counted in ClinVar's aggregate classification.

Biomedical Genomics and Oncogenetics Laboratory, Institut Pasteur de Tunis, University Tunis El Manar
Classification: Pathogenic for Breast-ovarian cancer, familial, susceptibility to, 1. Review status: criteria provided, single submitter. Criteria: ACMG Guidelines, 2015. Collection method: clinical testing. Allele origin: germline. Affected: yes. Observed: 3 variant alleles. Not counted in ClinVar's aggregate classification.

Clinical and Functional Genomics Group, A.C.Camargo Cancer Center
Classification: Pathogenic for Breast Cancer. Review status: criteria provided, single submitter. Criteria: Carraro et al. (PLoS One. 2013). Collection method: research. Allele origin: germline. Affected: yes. Not counted in ClinVar's aggregate classification.

Hadassah Hebrew University Medical Center
Classification: Pathogenic for Breast-ovarian cancer, familial, susceptibility to, 1. Review status: criteria provided, single submitter. Criteria: ACMG Guidelines, 2015. Collection method: research. Allele origin: germline. Affected: no. Observed: 1 variant allele. Not counted in ClinVar's aggregate classification.

Institute of Genomics, University of Tartu
Classification: Pathogenic for Breast-ovarian cancer, familial, susceptibility to, 1. Review status: criteria provided, single submitter. Criteria: ACMG Guidelines, 2015. Collection method: research. Allele origin: germline. Affected: yes. Observed: 11 variant alleles. Not counted in ClinVar's aggregate classification.

University Health Network, Familial Cancer Clinic, Princess Margaret Cancer Centre
Classification: Pathogenic for BRCA1-related cancer predisposition. Review status: criteria provided, single submitter. Criteria: ACMG Guidelines, 2015. Collection method: clinical testing. Allele origin: germline. Inheritance: Autosomal dominant inheritance. Affected: yes. Observed: 1 variant allele. Not counted in ClinVar's aggregate classification.

CZECANCA consortium
Classification: Pathogenic for Endometrial carcinoma. Last evaluated: 2023-02-21. Review status: no assertion criteria provided. Collection method: clinical testing. Allele origin: germline. Affected: yes. Observed: 4 variant alleles. Not counted in ClinVar's aggregate classification.

BRCAlab, Lund University
Classification: Pathogenic for Breast-ovarian cancer, familial, susceptibility to, 1. Last evaluated: 2022-08-26. Review status: no assertion criteria provided. Collection method: clinical testing. Allele origin: germline. Affected: yes. Not counted in ClinVar's aggregate classification.

Genetic Services Laboratory, University of Chicago
Classification: Pathogenic for Breast-ovarian cancer, familial, susceptibility to, 1. Last evaluated: 2022-01-10. Review status: no assertion criteria provided. Collection method: clinical testing. Allele origin: germline. Affected: yes. Not counted in ClinVar's aggregate classification.
Comment: DNA sequence analysis of the BRCA1 gene demonstrated a single base pair duplication in exon 19, c.5266dup. This pathogenic sequence change results in an amino acid frameshift and creates a premature stop codon 74 amino acids downstream of the change, p.Gln1756Profs*74. This pathogenic sequence change is predicted to result in an abnormal transcript, which may be degraded, or may lead to the production of a truncated BRCA1 protein with potentially abnormal function. This sequence change has been described in the gnomAD database with a frequency of 0.23% in the Ashkenazi Jewish subpopulation (dbSNP rs1217805587). This pathogenic sequence change is a well-described pathogenic BRCA1 variant and a known founder mutation in the Ashkenazi Jewish population reported in multiple individuals with hereditary breast and ovarian cancer syndrome (PMID: 12473589, 15131399, 9042909, 22430266, 24764757, 26976419). The c.5266dup sequence change is also referred to as 5382insC in the scientific literature

CZECANCA consortium
Classification: Pathogenic for Breast and/or ovarian cancer. Last evaluated: 2019-06-11. Review status: no assertion criteria provided. Collection method: clinical testing. Allele origin: germline. Affected: yes. Observed: 75 variant alleles. Not counted in ClinVar's aggregate classification.

German Consortium for Hereditary Breast and Ovarian Cancer, University Hospital Cologne
Classification: Pathogenic for Ovarian neoplasm. Last evaluated: 2018-12-01. Review status: no assertion criteria provided. Collection method: research. Allele origin: germline. Affected: yes. Not counted in ClinVar's aggregate classification.

True Health Diagnostics
Classification: Pathogenic for Hereditary cancer-predisposing syndrome. Last evaluated: 2018-04-27. Review status: no assertion criteria provided. Collection method: clinical testing. Allele origin: germline. Not counted in ClinVar's aggregate classification.

Foulkes Cancer Genetics LDI, Lady Davis Institute for Medical Research
Classification: Pathogenic for Breast and/or ovarian cancer. Last evaluated: 2016-07-07. Review status: no assertion criteria provided. Collection method: clinical testing. Allele origin: germline. Study: The Canadian Open Genetics Repository (COGR). Not counted in ClinVar's aggregate classification.

Institute of Human Genetics, Medical University Innsbruck
Classification: Pathogenic for Breast-ovarian cancer, familial 1. Last evaluated: 2015-02-11. Review status: no assertion criteria provided. Criteria: clinical testing. Collection method: clinical testing. Allele origin: germline. Affected: yes. Study: BRCA-Tyrol. Not counted in ClinVar's aggregate classification.
Comment: BRCA-mutation spectrum Western Austria

Pathway Genomics
Classification: Pathogenic for Breast-ovarian cancer, familial 1. Last evaluated: 2014-07-24. Review status: no assertion criteria provided. Collection method: clinical testing. Allele origin: germline. Not counted in ClinVar's aggregate classification.

Counsyl
Classification: Pathogenic for Breast-ovarian cancer, familial 1. Last evaluated: 2014-07-07. Review status: no assertion criteria provided. Collection method: literature only. Allele origin: unknown. Inheritance: Autosomal dominant inheritance. Not counted in ClinVar's aggregate classification.

Sharing Clinical Reports Project (SCRP)
Classification: Pathogenic for Breast-ovarian cancer, familial 1. Last evaluated: 2014-04-08. Review status: no assertion criteria provided. Collection method: clinical testing. Allele origin: germline. Not counted in ClinVar's aggregate classification.

Research Molecular Genetics Laboratory, Women's College Hospital, University of Toronto
Classification: Pathogenic for Hereditary breast ovarian cancer syndrome. Last evaluated: 2014-01-31. Review status: no assertion criteria provided. Collection method: research. Allele origin: germline. Affected: yes. Study: The Canadian Open Genetics Repository (COGR). Not counted in ClinVar's aggregate classification.

OMIM
Classification: Pathogenic for BREAST-OVARIAN CANCER, FAMILIAL, SUSCEPTIBILITY TO, 1. Last evaluated: 2008-10-15. Review status: no assertion criteria provided. Collection method: literature only. Allele origin: unknown. Not counted in ClinVar's aggregate classification.

OMIM
Classification: risk factor for PANCREATIC CANCER, SUSCEPTIBILITY TO. Last evaluated: 2008-10-15. Review status: no assertion criteria provided. Collection method: literature only. Allele origin: unknown. Not counted in ClinVar's aggregate classification.

Breast Cancer Information Core (BIC) (BRCA1)
Classification: Pathogenic for Breast-ovarian cancer, familial 1. Last evaluated: 2002-05-29. Review status: no assertion criteria provided. Collection method: clinical testing. Allele origin: germline, unknown. Affected: yes. Observed: 1,929 variant alleles. Not counted in ClinVar's aggregate classification.

Bioscientia Institut fuer Medizinische Diagnostik GmbH, Sonic Healthcare
Classification: Pathogenic for Familial cancer of breast. Review status: no assertion criteria provided. Collection method: clinical testing. Allele origin: germline. Affected: yes. Not counted in ClinVar's aggregate classification.

Clinical Genetics Laboratory, Department of Pathology, Netherlands Cancer Institute
Classification: Pathogenic. Review status: no assertion criteria provided. Collection method: clinical testing. Allele origin: germline. Affected: yes. Study: VKGL Data-share Consensus. Not counted in ClinVar's aggregate classification.